The following is an entry in ClinVar:

ClinVar aggregate classification (germline): Pathogenic (1 of 4 stars; one submission).

Conditions:
Hypertrophic cardiomyopathy. Also called: HYPERTROPHIC MYOCARDIOPATHY. Identifiers: Orphanet 217569, MedGen C0007194, MeSH D002312, MONDO:0005045, HP:0001639.

Submission:

Labcorp Genetics (formerly Invitae), Labcorp
Classification: Pathogenic for Hypertrophic cardiomyopathy. Last evaluated: 2024-11-26. Review status: criteria provided, single submitter. Criteria: Invitae Variant Classification Sherloc (09022015). Collection method: clinical testing. Allele origin: germline.
Comment: This sequence change creates a premature translational stop signal (p.Ser593Valfs*12) in the MYBPC3 gene. It is expected to result in an absent or disrupted protein product. Loss-of-function variants in MYBPC3 are known to be pathogenic (PMID: 19574547). This variant is not present in population databases (gnomAD no frequency). This variant has not been reported in the literature in individuals affected with MYBPC3-related conditions. ClinVar contains an entry for this variant (Variation ID: 2133023). For these reasons, this variant has been classified as Pathogenic.

Literature cited by the submitters: PubMed 19574547.

NM_000256.3(MYBPC3):c.1775dup (p.Ser593fs)

Gene: MYBPC3 (myosin binding protein C3; minus strand). Cytogenetic location: 11p11.2.
Variant type: Duplication.
Coding change: c.1775dup on transcript NM_000256.3 (MANE Select); coding-DNA position 1775, one base duplicated (T; older notation c.1775dupT).
Protein change: p.Ser593fs; shifts the reading frame from serine 593.
Molecular consequence: frameshift variant.
Genome position (GRCh38, 1-based): chr11:47,342,006, A duplicated on the plus strand (T on the coding strand, the reverse complement: MYBPC3 is on the minus strand). VCF-style (leftmost placement, unchanged base first): chr11-47342005-C-CA. GRCh37 (hg19) VCF-style: chr11-47363556-C-CA.
Other names: short protein forms S593fs.
Identifiers: ClinVar variation 2133023 (VCV002133023.4), dbSNP rs2495761138, ClinGen allele CA2580084225.